The following is an entry in ClinVar:

NM_032898.5(CEP19):c.275A>C (p.Gln92Pro)

Gene: CEP19 (centrosomal protein 19; minus strand). Cytogenetic location: 3q29.
Variant type: single nucleotide variant.
Coding change: c.275A>C on transcript NM_032898.5 (MANE Select); coding-DNA position 275, A replaced by C.
Protein change: p.Gln92Pro; replaces glutamine 92 with proline.
Molecular consequence: missense variant.
Genome position (GRCh38, 1-based): chr3:196,707,768, T>G on the plus strand (A>C on the coding strand, the complement: CEP19 is on the minus strand). VCF-style: chr3-196707768-T-G. GRCh37 (hg19) VCF-style: chr3-196434639-T-G.
Other names: c.170A>C, p.Gln57Pro (NM_001379468.1); c.275A>C, p.Gln92Pro (NM_001379469.1, NM_001379470.1); short protein forms Q92P, Q57P.
Identifiers: ClinVar variation 1449977 (VCV001449977.5), dbSNP rs1711579998, ClinGen allele CA355634375.
Genomic context (GRCh38, chr3:196,707,768, plus strand): 5'-TCCTTGTCATCTAGTTTGTTCAGGTCTTCCTCAGGATCAATGGTTGTTTCCCGTTGAATT[T>G]GTTCCATTGTTTCTGCCAGACTCTGCCCCGACAAGTAACCTCGTAAAAAACTGAATAGCT-3'
Protein context (NP_116287.3, residues 82-102): SGQSLAETME[Gln92Pro]IQRETTIDPE

ClinVar aggregate classification (germline): Uncertain significance (1 of 4 stars; one submission).

Allele frequency attached by ClinVar (database versions not stated): gnomAD exomes below 0.00001; gnomAD 0.00001.

Submission:

Labcorp Genetics (formerly Invitae), Labcorp
Classification: Uncertain significance. Last evaluated: 2022-02-10. Review status: criteria provided, single submitter. Criteria: Invitae Variant Classification Sherloc (09022015). Collection method: clinical testing. Allele origin: germline.
Comment: This sequence change replaces glutamine, which is neutral and polar, with proline, which is neutral and non-polar, at codon 96 of the CEP19 protein (p.Gln96Pro). This variant is not present in population databases (gnomAD no frequency). This variant has not been reported in the literature in individuals affected with CEP19-related conditions. Algorithms developed to predict the effect of missense changes on protein structure and function are either unavailable or do not agree on the potential impact of this missense change (SIFT: "Tolerated"; PolyPhen-2: "Possibly Damaging"; Align-GVGD: "Class C0"). In summary, the available evidence is currently insufficient to determine the role of this variant in disease. Therefore, it has been classified as a Variant of Uncertain Significance.